The following is an entry in ClinVar:

NM_002907.4(RECQL):c.1672G>T (p.Asp558Tyr)

Genes: PYROXD1 (pyridine nucleotide-disulphide oxidoreductase domain 1; plus strand), RECQL (RecQ like helicase; minus strand). Cytogenetic location: 12p12.1.
Variant type: single nucleotide variant.
Coding change: c.1672G>T on transcript NM_002907.4 (MANE Select); coding-DNA position 1672, G replaced by T.
Protein change: p.Asp558Tyr; replaces aspartic acid 558 with tyrosine.
Molecular consequence: missense variant. On other transcripts: 3 prime UTR variant (3).
Genome position (GRCh38, 1-based): chr12:21,471,094, C>A on the plus strand (G>T on the coding strand, the complement: RECQL is on the minus strand). VCF-style: chr12-21471094-C-A. GRCh37 (hg19) VCF-style: chr12-21624028-C-A.
Other names: c.1672G>T, p.Asp558Tyr (NM_032941.3); c.*2340C>A (NM_001350912.2, NM_001350913.2, NM_024854.5); short protein forms D558Y.
Identifiers: ClinVar variation 1777730 (VCV001777730.2), dbSNP rs752008751, ClinGen allele CA384114798.

ClinVar aggregate classification (germline): Uncertain significance (1 of 4 stars; one submission).

Submission:

Ambry Genetics
Classification: Uncertain significance. Last evaluated: 2021-12-10. Review status: criteria provided, single submitter. Criteria: Ambry Variant Classification Scheme 2023. Collection method: clinical testing. Allele origin: germline.
Comment: The p.D558Y variant (also known as c.1672G>T), located in coding exon 13 of the RECQL gene, results from a G to T substitution at nucleotide position 1672. The aspartic acid at codon 558 is replaced by tyrosine, an amino acid with highly dissimilar properties. This amino acid position is conserved. In addition, the in silico prediction for this alteration is inconclusive. Since supporting evidence is limited at this time, the clinical significance of this alteration remains unclear.